The following is an entry in ClinVar:

NM_001085458.2(CTNND1):c.2349C>T (p.Asn783=)

Genes: CTNND1 (catenin delta 1; plus strand), TMX2-CTNND1 (TMX2-CTNND1 readthrough (NMD candidate); plus strand). Cytogenetic location: 11q12.1.
Variant type: single nucleotide variant.
Coding change: c.2349C>T on transcript NM_001085458.2 (MANE Select); coding-DNA position 2349, C replaced by T.
Protein change: p.Asn783=; no amino-acid change (asparagine 783 retained).
Molecular consequence: synonymous variant. On other transcripts: non-coding transcript variant (1).
Genome position (GRCh38, 1-based): chr11:57,809,380, C>T. VCF-style: chr11-57809380-C-T. GRCh37 (hg19) VCF-style: chr11-57576852-C-T.
Other names: c.2331C>T, p.Asn777= (NM_001085459.2, NM_001085460.2, NM_001085461.2 and 2 more transcripts); c.2046C>T, p.Asn682= (NM_001085463.2, NM_001085466.2); c.2028C>T, p.Asn676= (NM_001085464.2, NM_001085465.2, NM_001085467.2 and 3 more transcripts); c.2187C>T, p.Asn729= (NM_001206883.2, NM_001206884.2); c.2349C>T, p.Asn783= (NM_001206885.2); c.2169C>T, p.Asn723= (NM_001206886.2, NM_001206887.2, NM_001206888.2 and 2 more transcripts).
Identifiers: ClinVar variation 3771138 (VCV003771138.14).

ClinVar aggregate classification (germline): Likely benign. Review status: criteria provided, multiple submitters, no conflicts (2 of 4 stars). 2 submissions from 2 submitters: Likely benign (2). Last evaluated 2025-02-01.

gnomAD v4.1: 381 of 1,613,966 alleles (0.024%); highest among the groups gnomAD compares: South Asian, 0.36%; 1 homozygote.

Submissions (2):

CeGaT Center for Human Genetics Tuebingen
Classification: Likely benign. Last evaluated: 2025-02-01. Review status: criteria provided, single submitter. Criteria: CeGaT Center For Human Genetics Tuebingen Variant Classification Criteria Version 2. Collection method: clinical testing. Allele origin: germline. Affected: yes. Observed: 1 variant allele.
Comment: CTNND1: BP4, BP7

Blueprint Genetics
Classification: Likely benign. Last evaluated: 2024-10-18. Review status: criteria provided, single submitter. Criteria: ACMG Guidelines, 2015. Collection method: clinical testing. Allele origin: germline.